The following is an entry in ClinVar:

ClinVar aggregate classification (germline): Uncertain significance (1 of 4 stars; one submission).

Submission:

Labcorp Genetics (formerly Invitae), Labcorp
Classification: Uncertain significance. Last evaluated: 2024-02-23. Review status: criteria provided, single submitter. Criteria: Invitae Variant Classification Sherloc (09022015). Collection method: clinical testing. Allele origin: germline.
Comment: This sequence change replaces glutamine, which is neutral and polar, with leucine, which is neutral and non-polar, at codon 643 of the ERCC2 protein (p.Gln643Leu). This variant is not present in population databases (gnomAD no frequency). This variant has not been reported in the literature in individuals affected with ERCC2-related conditions. ClinVar contains an entry for this variant (Variation ID: 1385462). Advanced modeling of protein sequence and biophysical properties (such as structural, functional, and spatial information, amino acid conservation, physicochemical variation, residue mobility, and thermodynamic stability) has been performed at Invitae for this missense variant, however the output from this modeling did not meet the statistical confidence thresholds required to predict the impact of this variant on ERCC2 protein function. In summary, the available evidence is currently insufficient to determine the role of this variant in disease. Therefore, it has been classified as a Variant of Uncertain Significance.

NM_000400.4(ERCC2):c.1928A>T (p.Gln643Leu)

Gene: ERCC2 (ERCC excision repair 2, TFIIH core complex helicase subunit; minus strand). Cytogenetic location: 19q13.32.
Variant type: single nucleotide variant.
Coding change: c.1928A>T on transcript NM_000400.4 (MANE Select); coding-DNA position 1928, A replaced by T.
Protein change: p.Gln643Leu; replaces glutamine 643 with leucine.
Molecular consequence: missense variant.
Genome position (GRCh38, 1-based): chr19:45,352,624, T>A on the plus strand (A>T on the coding strand, the complement: ERCC2 is on the minus strand). VCF-style: chr19-45352624-T-A. GRCh37 (hg19) VCF-style: chr19-45855882-T-A.
Other names: short protein forms Q643L.
Identifiers: ClinVar variation 1385462 (VCV001385462.8), dbSNP rs1971848625, ClinGen allele CA406363495.